The following is an entry in ClinVar:

NC_000019.9:g.(?_42489996)_(42492734_?)dup

Gene: ATP1A3 (ATPase Na+/K+ transporting subunit alpha 3; minus strand). Cytogenetic location: 19q13.2.
Variant type: Duplication.
Identifiers: ClinVar variation 1412789 (VCV001412789.4).

ClinVar aggregate classification (germline): Uncertain significance (1 of 4 stars; one submission).

Conditions:
Dystonia 12 (DYT12). Also called: Rapid-Onset Dystonia-Parkinsonism (RDP); DYT-ATP1A3. Identifiers: Orphanet 71517, MedGen C1868681, MONDO:0007496, OMIM 128235.

Submission:

Labcorp Genetics (formerly Invitae), Labcorp
Classification: Uncertain significance for Dystonia 12. Last evaluated: 2021-08-18. Review status: criteria provided, single submitter. Criteria: Invitae Variant Classification Sherloc (09022015). Collection method: clinical testing. Allele origin: germline.
Comment: This variant results in a copy number gain of the genomic region encompassing exon(s) 2-6 of the ATP1A3 gene. While the exact position of this variant cannot be determined from the data, sub-genic copy number gains are generally in tandem (PMID: 25640679). This variant is predicted to be in-frame, and likely preserves the integrity of the reading frame. This variant has not been reported in the literature in individuals affected with ATP1A3-related conditions. Experimental studies and prediction algorithms are not available or were not evaluated, and the functional significance of this variant is currently unknown. In summary, the available evidence is currently insufficient to determine the role of this variant in disease. Therefore, it has been classified as a Variant of Uncertain Significance.

Literature cited by the submitters: PubMed 25640679.